The following is an entry in ClinVar:

ClinVar aggregate classification (germline): Uncertain significance (0 of 4 stars; one submission).

Conditions:
OPTN-related disorder. Also called: OPTN-related condition; OPTN-related disorders.

Allele frequency attached by ClinVar (database versions not stated): TOPMed below 0.00001; gnomAD 0.00001.
gnomAD v4.1: 4 of 1,595,050 alleles (0.00025%); highest among the groups gnomAD compares: Non-Finnish European, 0.00034%; no homozygotes.

Submission:

PreventionGenetics, part of Exact Sciences
Classification: Uncertain significance for OPTN-related condition. Last evaluated: 2024-02-21. Review status: no assertion criteria provided. Collection method: clinical testing. Allele origin: germline.
Comment: The OPTN c.553-4A>T variant is predicted to interfere with splicing. To our knowledge, this variant has not been reported in the literature or in a large population database, indicating this variant is rare. At this time, the clinical significance of this variant is uncertain due to the absence of conclusive functional and genetic evidence.

NM_001008212.2(OPTN):c.553-4A>T

Gene: OPTN (optineurin; plus strand). Cytogenetic location: 10p13.
Variant type: single nucleotide variant.
Coding change: c.553-4A>T on transcript NM_001008212.2 (MANE Select); 4 bases into the intron before coding-DNA position 553, A replaced by T.
Molecular consequence: intron variant.
Genome position (GRCh38, 1-based): chr10:13,116,263, A>T. VCF-style: chr10-13116263-A-T. GRCh37 (hg19) VCF-style: chr10-13158263-A-T.
Other names: c.553-4A>T (NM_001008211.1, NM_001008213.1, NM_021980.4).
Identifiers: ClinVar variation 3028946 (VCV003028946.2), dbSNP rs780500699, ClinGen allele CA925100115.